The following is an entry in ClinVar:

NM_000052.7(ATP7A):c.3269C>T (p.Thr1090Ile)

Gene: ATP7A (ATPase copper transporting alpha; plus strand). Cytogenetic location: Xq21.1.
Variant type: single nucleotide variant.
Coding change: c.3269C>T on transcript NM_000052.7 (MANE Select); coding-DNA position 3269, C replaced by T.
Protein change: p.Thr1090Ile; replaces threonine 1090 with isoleucine.
Molecular consequence: missense variant. On other transcripts: non-coding transcript variant (1).
Genome position (GRCh38, 1-based): chrX:78,031,557, C>T. VCF-style: chrX-78031557-C-T. GRCh37 (hg19) VCF-style: chrX-77287055-C-T.
Other names: c.3035C>T, p.Thr1012Ile (NM_001282224.2); short protein forms T1012I, T1090I.
Identifiers: ClinVar variation 1445670 (VCV001445670.7), dbSNP rs2149106178, ClinGen allele CA413603774.

ClinVar aggregate classification (germline): Uncertain significance (1 of 4 stars; one submission).

Conditions:
X-linked distal spinal muscular atrophy type 3. Also called: ATP7A-Related Distal Motor Neuropathy; NEURONOPATHY, DISTAL HEREDITARY MOTOR, X-LINKED; NEUROPATHY, DISTAL HEREDITARY MOTOR, X-LINKED; SPINAL MUSCULAR ATROPHY, DISTAL, X-LINKED RECESSIVE. Identifiers: Orphanet 139557, MedGen C1845359, MONDO:0010338, OMIM 300489.
Menkes kinky-hair syndrome (MNK). Also called: Classic Menkes Disease; Copper transport disease; Menkes Disease. Identifiers: Orphanet 565, MedGen C0022716, MONDO:0010651, OMIM 309400.
Cutis laxa, X-linked (OHS). Also called: EDS IX; Occipital horn syndrome. Identifiers: Orphanet 198, MedGen C0268353, MONDO:0010572, OMIM 304150.

Submission:

Labcorp Genetics (formerly Invitae), Labcorp
Classification: Uncertain significance for X-linked distal spinal muscular atrophy type 3; Cutis laxa, X-linked; Menkes kinky-hair syndrome. Last evaluated: 2024-03-11. Review status: criteria provided, single submitter. Criteria: Invitae Variant Classification Sherloc (09022015). Collection method: clinical testing. Allele origin: germline.
Comment: This sequence change replaces threonine, which is neutral and polar, with isoleucine, which is neutral and non-polar, at codon 1090 of the ATP7A protein (p.Thr1090Ile). This variant is not present in population databases (gnomAD no frequency). This variant has not been reported in the literature in individuals affected with ATP7A-related conditions. ClinVar contains an entry for this variant (Variation ID: 1445670). Advanced modeling of protein sequence and biophysical properties (such as structural, functional, and spatial information, amino acid conservation, physicochemical variation, residue mobility, and thermodynamic stability) performed at Invitae indicates that this missense variant is not expected to disrupt ATP7A protein function with a negative predictive value of 95%. In summary, the available evidence is currently insufficient to determine the role of this variant in disease. Therefore, it has been classified as a Variant of Uncertain Significance.